The following is an entry in ClinVar:

NM_014956.5(CEP164):c.3089+5C>T

Gene: CEP164 (centrosomal protein 164; plus strand). Cytogenetic location: 11q23.3.
Variant type: single nucleotide variant.
Coding change: c.3089+5C>T on transcript NM_014956.5 (MANE Select); 5 bases into the intron after coding-DNA position 3089, C replaced by T.
Molecular consequence: intron variant.
Genome position (GRCh38, 1-based): chr11:117,395,727, C>T. VCF-style: chr11-117395727-C-T. GRCh37 (hg19) VCF-style: chr11-117266443-C-T.
Other names: c.3098+5C>T (NM_001271933.2).
Identifiers: ClinVar variation 2010481 (VCV002010481.5), dbSNP rs199573069, ClinGen allele CA6295313.

ClinVar aggregate classification (germline): Uncertain significance. Review status: criteria provided, multiple submitters, no conflicts (2 of 4 stars). 2 submissions from 2 submitters: Uncertain significance (2). Last evaluated 2024-05-26.

Conditions:
Nephronophthisis 15 (NPHP15). Identifiers: Orphanet 3156, MedGen C3541853, MONDO:0013917, OMIM 614845.

Allele frequency attached by ClinVar (database versions not stated): TOPMed 0.00001.
gnomAD v4.1: 41 of 1,604,488 alleles (0.0026%); highest among the groups gnomAD compares: Non-Finnish European, 0.0029%; no homozygotes.

Submissions (2):

Fulgent Genetics
Classification: Uncertain significance for Nephronophthisis 15. Last evaluated: 2024-05-26. Review status: criteria provided, single submitter. Criteria: ACMG Guidelines, 2015. Collection method: clinical testing. Allele origin: germline.

Labcorp Genetics (formerly Invitae), Labcorp
Classification: Uncertain significance for Nephronophthisis 15. Last evaluated: 2022-10-19. Review status: criteria provided, single submitter. Criteria: Invitae Variant Classification Sherloc (09022015). Collection method: clinical testing. Allele origin: germline.
Comment: This sequence change falls in intron 24 of the CEP164 gene. It does not directly change the encoded amino acid sequence of the CEP164 protein. It affects a nucleotide within the consensus splice site. This variant is present in population databases (rs199573069, gnomAD 0.007%). This variant has not been reported in the literature in individuals affected with CEP164-related conditions. Variants that disrupt the consensus splice site are a relatively common cause of aberrant splicing (PMID: 17576681, 9536098). Algorithms developed to predict the effect of sequence changes on RNA splicing suggest that this variant may create or strengthen a splice site. In summary, the available evidence is currently insufficient to determine the role of this variant in disease. Therefore, it has been classified as a Variant of Uncertain Significance.

Literature cited by the submitters: PubMed 17576681 (cited by Labcorp Genetics (formerly Invitae), Labcorp); PubMed 9536098 (cited by Labcorp Genetics (formerly Invitae), Labcorp).